The following is an entry in ClinVar:

ClinVar aggregate classification (germline): Conflicting classifications of pathogenicity. Review status: criteria provided, conflicting classifications (1 of 4 stars). 3 submissions from 3 submitters: Uncertain significance (2); Likely benign (1). Last evaluated 2025-07-29.

Conditions:
Tuberous sclerosis syndrome (TSC). Also called: Tuberous Sclerosis Complex; Tuberous sclerosis. Identifiers: Orphanet 805, MedGen C0041341, MONDO:0001734.
Tuberous sclerosis 1 (TSC1). Identifiers: Orphanet 805, MedGen C1854465, MONDO:0008612, OMIM 191100.
Hereditary cancer-predisposing syndrome. Also called: Tumor predisposition; Hereditary neoplastic syndrome; Hereditary Cancer Syndrome; Neoplastic Syndromes, Hereditary. Identifiers: Orphanet 140162, MedGen C0027672, MeSH D009386, MONDO:0015356.

Allele frequency attached by ClinVar (database versions not stated): gnomAD exomes below 0.00001.
gnomAD v4.1: 3 of 1,614,110 alleles (0.00019%); highest among the groups gnomAD compares: South Asian, 0.0011%; no homozygotes.

Submissions (3):

Ambry Genetics
Classification: Uncertain significance for Hereditary cancer-predisposing syndrome. Last evaluated: 2025-07-29. Review status: criteria provided, single submitter. Criteria: Ambry Variant Classification Scheme 2023. Collection method: clinical testing. Allele origin: germline.
Comment: The p.K1019E variant (also known as c.3055A>G), located in coding exon 21 of the TSC1 gene, results from an A to G substitution at nucleotide position 3055. The lysine at codon 1019 is replaced by glutamic acid, an amino acid with similar properties. This amino acid position is well conserved in available vertebrate species. In addition, this alteration is predicted to be tolerated by in silico analysis. Based on the available evidence, the clinical significance of this variant remains unclear.

Labcorp Genetics (formerly Invitae), Labcorp
Classification: Likely benign for Tuberous sclerosis 1. Last evaluated: 2023-12-11. Review status: criteria provided, single submitter. Criteria: Invitae Variant Classification Sherloc (09022015). Collection method: clinical testing. Allele origin: germline.

All of Us Research Program, National Institutes of Health
Classification: Uncertain significance for Tuberous sclerosis syndrome. Last evaluated: 2023-05-04. Review status: criteria provided, single submitter. Criteria: ACMG Guidelines, 2015. Collection method: clinical testing. Allele origin: germline. Inheritance: Autosomal dominant inheritance. Observed: 1 variant allele, 1 heterozygote.
Comment: This missense variant replaces lysine with glutamic acid at codon 1019 of the TSC1 protein. Computational prediction suggests that this variant may not impact protein structure and function (internally defined REVEL score threshold <= 0.5, PMID: 27666373). To our knowledge, functional studies have not been reported for this variant. This variant has not been reported in individuals affected with TSC1-related disorders in the literature. This variant has been identified in 1/250088 chromosomes in the general population by the Genome Aggregation Database (gnomAD). The available evidence is insufficient to determine the role of this variant in disease conclusively. Therefore, this variant is classified as a Variant of Uncertain Significance.

This study involves interpretation of variants in research participants for the purpose of population health screening. Participant phenotype was not available at the time of variant classification. Additional details can be found in publication PMID: 35346344, PMCID: PMC8962531

NM_000368.5(TSC1):c.3055A>G (p.Lys1019Glu)

Gene: TSC1 (TSC complex subunit 1; minus strand). Cytogenetic location: 9q34.13.
Variant type: single nucleotide variant.
Coding change: c.3055A>G on transcript NM_000368.5 (MANE Select); coding-DNA position 3055, A replaced by G.
Protein change: p.Lys1019Glu; replaces lysine 1019 with glutamic acid.
Molecular consequence: missense variant.
Genome position (GRCh38, 1-based): chr9:132,896,675, T>C on the plus strand (A>G on the coding strand, the complement: TSC1 is on the minus strand). VCF-style: chr9-132896675-T-C. GRCh37 (hg19) VCF-style: chr9-135772062-T-C.
Other names: c.3052A>G, p.Lys1018Glu (NM_001162426.2); c.2902A>G, p.Lys968Glu (NM_001162427.2); c.2692A>G, p.Lys898Glu (NM_001362177.2); short protein forms K968E, K1019E, K1018E, K898E.
Identifiers: ClinVar variation 1447971 (VCV001447971.10), dbSNP rs1317622700, ClinGen allele CA375367681.
Genomic context (GRCh38, chr9:132,896,675, plus strand): 5'-TGCTGCCTCCACCACCTCTGCTTCCACTACTGCCCCGGGCGCTGCTGGGCCTGGGGGTCT[T>C]GGTCTCACCGTTGTGGCCAGATGCCTCTTCATTGTGCCCTACCATGGAATCTGAGCACCC-3'
Protein context (NP_000359.1, residues 1009-1029): EEASGHNGET[Lys1019Glu]TPRPSSARGS